The following is an entry in ClinVar:

NM_001291867.2(NHS):c.4493G>A (p.Arg1498Lys)

Gene: NHS (NHS actin remodeling regulator; plus strand). Cytogenetic location: Xp22.13.
Variant type: single nucleotide variant.
Coding change: c.4493G>A on transcript NM_001291867.2 (MANE Select); coding-DNA position 4493, G replaced by A.
Protein change: p.Arg1498Lys; replaces arginine 1498 with lysine.
Molecular consequence: missense variant.
Genome position (GRCh38, 1-based): chrX:17,732,001, G>A. VCF-style: chrX-17732001-G-A. GRCh37 (hg19) VCF-style: chrX-17750121-G-A.
Other names: c.3962G>A, p.Arg1321Lys (NM_001136024.4); c.3899G>A, p.Arg1300Lys (NM_001291868.2); c.4430G>A, p.Arg1477Lys (NM_198270.4); short protein forms R1300K, R1321K, R1477K, R1498K.
Identifiers: ClinVar variation 2660089 (VCV002660089.24), dbSNP rs1461467007, ClinGen allele CA412370598.

ClinVar aggregate classification (germline): Uncertain significance (1 of 4 stars; one submission).

Allele frequency attached by ClinVar (database versions not stated): gnomAD exomes below 0.00001; TOPMed below 0.00001; gnomAD 0.00001.
gnomAD v4.1: 2 of 1,209,466 alleles (0.00017%); highest among the groups gnomAD compares: Middle Eastern, 0.023%; no homozygotes.

Submission:

CeGaT Center for Human Genetics Tuebingen
Classification: Uncertain significance. Last evaluated: 2023-06-01. Review status: criteria provided, single submitter. Criteria: CeGaT Center For Human Genetics Tuebingen Variant Classification Criteria Version 2. Collection method: clinical testing. Allele origin: germline. Affected: yes. Observed: 1 variant allele.
Comment: NHS: PM2, PP4, BP4